The following is an entry in ClinVar:

NM_003640.5(ELP1):c.3461-78_3461-75del

Gene: ELP1 (elongator acetyltransferase complex subunit 1; minus strand). Cytogenetic location: 9q31.3.
Variant type: Microsatellite.
Coding change: c.3461-78_3461-75del on transcript NM_003640.5 (MANE Select); 78 bases into the intron before coding-DNA position 3461 through 75 bases into the intron before coding-DNA position 3461, 4 bases deleted (AGTT; older notation c.3461-78_3461-75delAGTT).
Molecular consequence: intron variant.
Genome position (GRCh38, 1-based): chr9:108,879,632-108,879,635, AACT deleted on the plus strand (AGTT on the coding strand, the reverse complement: ELP1 is on the minus strand); deleting any 4 consecutive bases within chr9:108,879,632-108,879,640 gives the same sequence; the c. name uses the placement nearest the transcript's 3' end. VCF-style (leftmost placement, unchanged base first): chr9-108879631-GAACT-G. GRCh37 (hg19) VCF-style: chr9-111641911-GAACT-G.
Other names: c.3119-78_3119-75del (NM_001318360.2); c.2414-78_2414-75del (NM_001330749.2).
Identifiers: ClinVar variation 681942 (VCV000681942.1), dbSNP rs10550153, ClinGen allele CA197520467.

ClinVar aggregate classification (germline): Benign (1 of 4 stars; one submission).

Submission:

GeneDx
Classification: Benign. Last evaluated: 2018-06-19. Review status: criteria provided, single submitter. Criteria: GeneDx Variant Classification (06012015). Collection method: clinical testing. Allele origin: germline. Affected: yes.
Comment: This variant is considered likely benign or benign based on one or more of the following criteria: it is a conservative change, it occurs at a poorly conserved position in the protein, it is predicted to be benign by multiple in silico algorithms, and/or has population frequency not consistent with disease.